The following is an entry in ClinVar:

NM_001004137.1(OR52M1):c.376G>A (p.Val126Met)

Gene: OR52M1 (olfactory receptor family 52 subfamily M member 1; plus strand). Cytogenetic location: 11p15.4.
Variant type: single nucleotide variant.
Coding change: c.376G>A on transcript NM_001004137.1 (MANE Select); coding-DNA position 376, G replaced by A.
Protein change: p.Val126Met; replaces valine 126 with methionine.
Molecular consequence: missense variant.
Genome position (GRCh38, 1-based): chr11:4,545,566, G>A. VCF-style: chr11-4545566-G-A. GRCh37 (hg19) VCF-style: chr11-4566796-G-A.
Other names: short protein forms V126M.
Identifiers: ClinVar variation 3035871 (VCV003035871.2), dbSNP rs61751910, ClinGen allele CA5832660.

ClinVar aggregate classification (germline): Likely benign (0 of 4 stars; one submission).

Conditions:
OR52M1-related disorder. Also called: OR52M1-related condition.

Allele frequency attached by ClinVar (database versions not stated): gnomAD exomes 0.00009; ExAC 0.00023; gnomAD 0.00068; ESP Exome Variant Server 0.00092; TOPMed 0.00095; 1000 Genomes Project 0.00120; 1000 Genomes Project 30x 0.00141.

Submission:

PreventionGenetics, part of Exact Sciences
Classification: Likely benign for OR52M1-related condition. Last evaluated: 2022-05-31. Review status: no assertion criteria provided. Collection method: clinical testing. Allele origin: germline.
Comment: This variant is classified as likely benign based on ACMG/AMP sequence variant interpretation guidelines (Richards et al. 2015 PMID: 25741868, with internal and published modifications).